The following is an entry in ClinVar:

NM_005560.6(LAMA5):c.9484C>T (p.Leu3162Phe)

Gene: LAMA5 (laminin subunit alpha 5; minus strand). Cytogenetic location: 20q13.33.
Variant type: single nucleotide variant.
Coding change: c.9484C>T on transcript NM_005560.6 (MANE Select); coding-DNA position 9484, C replaced by T.
Protein change: p.Leu3162Phe; replaces leucine 3162 with phenylalanine.
Molecular consequence: missense variant.
Genome position (GRCh38, 1-based): chr20:62,312,193, G>A on the plus strand (C>T on the coding strand, the complement: LAMA5 is on the minus strand). VCF-style: chr20-62312193-G-A. GRCh37 (hg19) VCF-style: chr20-60887249-G-A.
Other names: short protein forms L3162F.
Identifiers: ClinVar variation 2827949 (VCV002827949.3), dbSNP rs1986348756, ClinGen allele CA409541037.

ClinVar aggregate classification (germline): Uncertain significance (1 of 4 stars; one submission).

Allele frequency attached by ClinVar (database versions not stated): gnomAD exomes below 0.00001; TOPMed below 0.00001.
gnomAD v4.1: 2 of 1,610,572 alleles (0.00012%); highest among the groups gnomAD compares: South Asian, 0.0011%; no homozygotes.

Submission:

Labcorp Genetics (formerly Invitae), Labcorp
Classification: Uncertain significance. Last evaluated: 2023-01-12. Review status: criteria provided, single submitter. Criteria: Invitae Variant Classification Sherloc (09022015). Collection method: clinical testing. Allele origin: germline.
Comment: In summary, the available evidence is currently insufficient to determine the role of this variant in disease. Therefore, it has been classified as a Variant of Uncertain Significance. Advanced modeling of protein sequence and biophysical properties (such as structural, functional, and spatial information, amino acid conservation, physicochemical variation, residue mobility, and thermodynamic stability) performed at Invitae indicates that this missense variant is expected to disrupt LAMA5 protein function. This variant has not been reported in the literature in individuals affected with LAMA5-related conditions. This variant is not present in population databases (gnomAD no frequency). This sequence change replaces leucine, which is neutral and non-polar, with phenylalanine, which is neutral and non-polar, at codon 3162 of the LAMA5 protein (p.Leu3162Phe).